The following is an entry in ClinVar:

NM_006268.5(DPF2):c.332T>C (p.Leu111Pro)

Gene: DPF2 (double PHD fingers 2; plus strand). Cytogenetic location: 11q13.1.
Variant type: single nucleotide variant.
Coding change: c.332T>C on transcript NM_006268.5 (MANE Select); coding-DNA position 332, T replaced by C.
Protein change: p.Leu111Pro; replaces leucine 111 with proline.
Molecular consequence: missense variant.
Genome position (GRCh38, 1-based): chr11:65,341,429, T>C. VCF-style: chr11-65341429-T-C. GRCh37 (hg19) VCF-style: chr11-65108900-T-C.
Other names: c.332T>C, p.Leu111Pro (NM_001330308.2); short protein forms L111P.
Identifiers: ClinVar variation 3273575 (VCV003273575.3).

ClinVar aggregate classification (germline): Conflicting classifications of pathogenicity. Review status: criteria provided, conflicting classifications (1 of 4 stars). 2 submissions from 2 submitters: Uncertain significance (1); Likely benign (1). Last evaluated 2024-12-31.

Conditions:
Inborn genetic diseases. Identifiers: MedGen C0950123, MeSH D030342.

gnomAD v4.1: 11 of 1,614,118 alleles (0.00068%); highest among the groups gnomAD compares: East Asian, 0.022%; no homozygotes.

Submissions (2):

Labcorp Genetics (formerly Invitae), Labcorp
Classification: Uncertain significance. Last evaluated: 2024-12-31. Review status: criteria provided, single submitter. Criteria: Invitae Variant Classification Sherloc (09022015). Collection method: clinical testing. Allele origin: germline.
Comment: This sequence change replaces leucine, which is neutral and non-polar, with proline, which is neutral and non-polar, at codon 111 of the DPF2 protein (p.Leu111Pro). The frequency data for this variant in the population databases is considered unreliable, as metrics indicate poor data quality at this position in the gnomAD database. This variant has not been reported in the literature in individuals affected with DPF2-related conditions. An algorithm developed to predict the effect of missense changes on protein structure and function (PolyPhen-2) suggests that this variant is likely to be disruptive. In summary, the available evidence is currently insufficient to determine the role of this variant in disease. Therefore, it has been classified as a Variant of Uncertain Significance.

Ambry Genetics
Classification: Likely benign for Inborn genetic diseases. Last evaluated: 2024-03-15. Review status: criteria provided, single submitter. Criteria: Ambry Variant Classification Scheme 2023. Collection method: clinical testing. Allele origin: germline.